The following is an entry in ClinVar:

NM_004336.5(BUB1):c.1270A>G (p.Lys424Glu)

Gene: BUB1 (BUB1 mitotic checkpoint serine/threonine kinase; minus strand). Cytogenetic location: 2q13.
Variant type: single nucleotide variant.
Coding change: c.1270A>G on transcript NM_004336.5 (MANE Select); coding-DNA position 1270, A replaced by G.
Protein change: p.Lys424Glu; replaces lysine 424 with glutamic acid.
Molecular consequence: missense variant.
Genome position (GRCh38, 1-based): chr2:110,659,984, T>C on the plus strand (A>G on the coding strand, the complement: BUB1 is on the minus strand). VCF-style: chr2-110659984-T-C. GRCh37 (hg19) VCF-style: chr2-111417561-T-C.
Other names: c.1210A>G, p.Lys404Glu (NM_001278616.2); c.1270A>G, p.Lys424Glu (NM_001278617.2); short protein forms K404E, K424E.
Identifiers: ClinVar variation 3262099 (VCV003262099.1).
Genomic context (GRCh38, chr2:110,659,984, plus strand): 5'-TGAGTGATACAGAGGAATCTGGACAGAAACACATTTATTATAATTAAACATTACCTTCTT[T>C]GATCTCTGCTCCACTCTGTGGCTTGAATTCATGAGTACTCTTATTCACACATCTGGAAGA-3'
Protein context (NP_004327.1, residues 414-434): EFKPQSGAEI[Lys424Glu]EGCETHKVAN

ClinVar aggregate classification (germline): Uncertain significance (1 of 4 stars; one submission).

Submission:

Ambry Genetics
Classification: Uncertain significance. Last evaluated: 2024-03-28. Review status: criteria provided, single submitter. Criteria: Ambry Variant Classification Scheme 2023. Collection method: clinical testing. Allele origin: germline.
Comment: The p.K424E variant (also known as c.1270A>G), located in coding exon 11 of the BUB1 gene, results from an A to G substitution at nucleotide position 1270. The lysine at codon 424 is replaced by glutamic acid, an amino acid with similar properties. This amino acid position is conserved. In addition, this alteration is predicted to be tolerated by in silico analysis. Based on the available evidence, the clinical significance of this alteration remains unclear.